The following is an entry in ClinVar:

ClinVar aggregate classification (germline): Likely benign. Review status: criteria provided, multiple submitters, no conflicts (2 of 4 stars). 2 submissions from 2 submitters: Likely benign (2). Last evaluated 2025-11-09.

Conditions:
Multiple endocrine neoplasia, type 2 (MEN2). Identifiers: Orphanet 653, MedGen C4048306, MONDO:0019003. Disease mechanism: gain of function.
Multiple endocrine neoplasia type 2A. Also called: Multiple Endocrine Neoplasia Type 2A (MEN2A); MULTIPLE ENDOCRINE NEOPLASIA, TYPE IIA; PTC SYNDROME; SIPPLE SYNDROME; MEN 2A; MEN-2A syndrome. Identifiers: Orphanet 247698, Orphanet 653, MedGen C0025268, MeSH D018813, MONDO:0008234, OMIM 171400.

Allele frequency attached by ClinVar (database versions not stated): gnomAD exomes below 0.00001 and 0.00001.
gnomAD v4.1: 3 of 1,605,722 alleles (0.00019%); highest among the groups gnomAD compares: Non-Finnish European, 0.00025%; no homozygotes.

Submissions (2):

Labcorp Genetics (formerly Invitae), Labcorp
Classification: Likely benign for Multiple endocrine neoplasia, type 2. Last evaluated: 2025-11-09. Review status: criteria provided, single submitter. Criteria: Invitae Variant Classification Sherloc (09022015). Collection method: clinical testing. Allele origin: germline.

Myriad Genetics, Inc.
Classification: Likely benign for Multiple endocrine neoplasia type 2A. Last evaluated: 2025-02-25. Review status: criteria provided, single submitter. Criteria: Myriad Autosomal Dominant, Autosomal Recessive and X-Linked Classification Criteria (2023). Collection method: clinical testing. Allele origin: unknown.
Comment: This variant is considered likely benign. This variant is intronic and is not expected to impact mRNA splicing.

NM_020975.6(RET):c.868-19C>T

Gene: RET (ret proto-oncogene; plus strand). Cytogenetic location: 10q11.21.
Variant type: single nucleotide variant.
Coding change: c.868-19C>T on transcript NM_020975.6 (MANE Select); 19 bases into the intron before coding-DNA position 868, C replaced by T.
Molecular consequence: intron variant.
Genome position (GRCh38, 1-based): chr10:43,106,357, C>T. VCF-style: chr10-43106357-C-T. GRCh37 (hg19) VCF-style: chr10-43601805-C-T.
Other names: c.868-19C>T (NM_020630.7, NM_001406743.1, NM_001406744.1 and 4 more transcripts); c.867+1164C>T (NM_001406772.1, NM_001406769.1); c.626-2674C>T (NM_001406773.1, NM_001406771.1); c.625+3728C>T (NM_001406782.1, NM_001406780.1, NM_001406779.1 and 3 more transcripts); c.739-19C>T (NM_001406764.1, NM_001406762.1, NM_001406761.1 and 1 more transcripts); c.738+1164C>T (NM_001406774.1); c.496+3728C>T (NM_001406786.1, NM_001406783.1); c.580-19C>T (NM_001406770.1, NM_001406766.1, NM_001406767.1); and 5 more.
Identifiers: ClinVar variation 1545853 (VCV001545853.16), dbSNP rs1415274397, ClinGen allele CA593290040.